The following is an entry in ClinVar:

NM_001378452.1(ITPR1):c.5303T>G (p.Phe1768Cys)

Gene: ITPR1 (inositol 1,4,5-trisphosphate receptor type 1; plus strand). Cytogenetic location: 3p26.1.
Variant type: single nucleotide variant.
Coding change: c.5303T>G on transcript NM_001378452.1 (MANE Select); coding-DNA position 5303, T replaced by G.
Protein change: p.Phe1768Cys; replaces phenylalanine 1768 with cysteine.
Molecular consequence: missense variant.
Genome position (GRCh38, 1-based): chr3:4,733,170, T>G. VCF-style: chr3-4733170-T-G. GRCh37 (hg19) VCF-style: chr3-4774854-T-G.
Other names: c.5159T>G, p.Phe1720Cys (NM_001099952.4); c.5258T>G, p.Phe1753Cys (NM_001168272.2); c.5114T>G, p.Phe1705Cys (NM_002222.7); short protein forms F1753C, F1768C, F1705C, F1720C.
Identifiers: ClinVar variation 1947145 (VCV001947145.5), dbSNP rs371697516, ClinGen allele CA2232277.

ClinVar aggregate classification (germline): Uncertain significance (1 of 4 stars; one submission).

Allele frequency attached by ClinVar (database versions not stated): gnomAD exomes below 0.00001; ExAC 0.00001; gnomAD 0.00002; TOPMed 0.00002; ESP Exome Variant Server 0.00008.
gnomAD v4.1: 5 of 1,613,880 alleles (0.00031%); highest among the groups gnomAD compares: African/African-American, 0.004%; no homozygotes.

Submission:

Labcorp Genetics (formerly Invitae), Labcorp
Classification: Uncertain significance. Last evaluated: 2022-09-01. Review status: criteria provided, single submitter. Criteria: Invitae Variant Classification Sherloc (09022015). Collection method: clinical testing. Allele origin: germline.
Comment: In summary, the available evidence is currently insufficient to determine the role of this variant in disease. Therefore, it has been classified as a Variant of Uncertain Significance. Algorithms developed to predict the effect of missense changes on protein structure and function are either unavailable or do not agree on the potential impact of this missense change (SIFT: "Deleterious"; PolyPhen-2: "Benign"; Align-GVGD: "Class C0"). This variant has not been reported in the literature in individuals affected with ITPR1-related conditions. This variant is present in population databases (rs371697516, gnomAD 0.003%). This sequence change replaces phenylalanine, which is neutral and non-polar, with cysteine, which is neutral and slightly polar, at codon 1705 of the ITPR1 protein (p.Phe1705Cys).